The following is an entry in ClinVar:

NM_015102.5(NPHP4):c.4267G>C (p.Val1423Leu)

Gene: NPHP4 (nephrocystin 4; minus strand). Cytogenetic location: 1p36.31.
Variant type: single nucleotide variant.
Coding change: c.4267G>C on transcript NM_015102.5 (MANE Select); coding-DNA position 4267, G replaced by C.
Protein change: p.Val1423Leu; replaces valine 1423 with leucine.
Molecular consequence: missense variant. On other transcripts: non-coding transcript variant (1).
Genome position (GRCh38, 1-based): chr1:5,863,279, C>G on the plus strand (G>C on the coding strand, the complement: NPHP4 is on the minus strand). VCF-style: chr1-5863279-C-G. GRCh37 (hg19) VCF-style: chr1-5923339-C-G.
Other names: c.2728G>C, p.Val910Leu (NM_001291593.2); c.2731G>C, p.Val911Leu (NM_001291594.2); short protein forms V910L, V911L, V1423L.
Identifiers: ClinVar variation 1903077 (VCV001903077.5), dbSNP rs1045851958, ClinGen allele CA338047205.

ClinVar aggregate classification (germline): Uncertain significance (1 of 4 stars; one submission).

Conditions:
Nephronophthisis. Also called: Juvenile Nephronophthisis. Identifiers: Orphanet 655, MedGen C0687120, MONDO:0019005, HP:0000090.

Submission:

Labcorp Genetics (formerly Invitae), Labcorp
Classification: Uncertain significance for Nephronophthisis. Last evaluated: 2022-07-23. Review status: criteria provided, single submitter. Criteria: Invitae Variant Classification Sherloc (09022015). Collection method: clinical testing. Allele origin: germline.
Comment: This sequence change replaces valine, which is neutral and non-polar, with leucine, which is neutral and non-polar, at codon 1423 of the NPHP4 protein (p.Val1423Leu). This variant is not present in population databases (gnomAD no frequency). This variant has not been reported in the literature in individuals affected with NPHP4-related conditions. Algorithms developed to predict the effect of missense changes on protein structure and function (SIFT, PolyPhen-2, Align-GVGD) all suggest that this variant is likely to be tolerated. In summary, the available evidence is currently insufficient to determine the role of this variant in disease. Therefore, it has been classified as a Variant of Uncertain Significance.